The following is an entry in ClinVar:

ClinVar aggregate classification (germline): Pathogenic (1 of 4 stars; one submission).

Conditions:
Microphthalmia, isolated, with coloboma 3 (MCOPCB3). Also called: MICROPHTHALMIA/COLOBOMA 3; MICROPHTHALMIA, COLOBOMATOUS, 3. Identifiers: Orphanet 98938, MedGen C1864721, MONDO:0012408, OMIM 610092.

Submission:

Myriad Genetics, Inc.
Classification: Pathogenic for Microphthalmia, isolated, with coloboma 3. Last evaluated: 2023-09-15. Review status: criteria provided, single submitter. Criteria: Myriad Autosomal Dominant, Autosomal Recessive and X-Linked Classification Criteria (2023). Collection method: clinical testing. Allele origin: unknown.
Comment: NM_182894.2(VSX2):c.305_306ins13(S102Rfs*29) is expected to be pathogenic in the context of microphthalmia, anophthalmia, and coloboma, VSX2-related. This variant is predicted to lead to an abnormal or absent protein product due to the creation of a premature termination codon in VSX2, a gene where loss-of-function variants are known to be pathogenic. Please note: this variant was assessed in the context of healthy population screening.

NM_182894.3(VSX2):c.305_306insACTGTCTCTTATA (p.Ser102fs)

Gene: VSX2 (visual system homeobox 2; plus strand). Cytogenetic location: 14q24.3.
Variant type: Insertion.
Coding change: c.305_306insACTGTCTCTTATA on transcript NM_182894.3 (MANE Select); coding-DNA positions 305 to 306, ACTGTCTCTTATA inserted.
Protein change: p.Ser102fs; shifts the reading frame from serine 102.
Molecular consequence: frameshift variant.
Genome position: GRCh38 VCF-style: chr14-74239866-G-GACTGTCTCTTATA. GRCh37 (hg19) VCF-style: chr14-74706569-G-GACTGTCTCTTATA.
Other names: short protein forms S102fs.
Identifiers: ClinVar variation 5011675 (VCV005011675.1).